The following is an entry in ClinVar:

ClinVar aggregate classification (germline): Uncertain significance (1 of 4 stars; one submission).

Conditions:
CTCF-related disorder. Also called: CTCF-related condition. Identifiers: MedGen CN381101.

Submission:

PreventionGenetics, part of Exact Sciences
Classification: Uncertain significance for CTCF-related condition. Last evaluated: 2026-02-28. Review status: criteria provided, single submitter. Criteria: ACMG Guidelines, 2015. Collection method: clinical testing. Allele origin: germline.
Comment: The CTCF c.331G>A variant is predicted to result in the amino acid substitution p.Gly111Arg. To our knowledge, this variant has not been reported in the literature or in a large population database (gnomAD), indicating this variant is rare. At this time, the clinical significance of this variant is uncertain due to the absence of conclusive functional and genetic evidence.

NM_006565.4(CTCF):c.331G>A (p.Gly111Arg)

Gene: CTCF (CCCTC-binding factor; plus strand). Cytogenetic location: 16q22.1.
Variant type: single nucleotide variant.
Coding change: c.331G>A on transcript NM_006565.4 (MANE Select); coding-DNA position 331, G replaced by A.
Protein change: p.Gly111Arg; replaces glycine 111 with arginine.
Molecular consequence: missense variant. On other transcripts: intron variant (1).
Genome position (GRCh38, 1-based): chr16:67,611,163, G>A. VCF-style: chr16-67611163-G-A. GRCh37 (hg19) VCF-style: chr16-67645066-G-A.
Other names: c.331G>A, p.Gly111Arg (NM_001363916.2, NM_001438968.1, NM_001438969.1); c.-32-5582G>A (NM_001191022.2); short protein forms G111R.
Identifiers: ClinVar variation 4991354 (VCV004991354.1).
Genomic context (GRCh38, chr16:67,611,163, plus strand): 5'-GACGATACCCAGATTATAACTTTACAGGTTGTAAATATGGAGGAACAGCCCATAAACATA[G>A]GAGAACTTCAGCTTGTTCAAGTACCTGTTCCTGTGACTGTACCTGTTGCTACCACTTCAG-3'
Protein context (NP_006556.1, residues 101-121): VNMEEQPINI[Gly111Arg]ELQLVQVPVP